The following is an entry in ClinVar:

ClinVar aggregate classification (germline): Likely benign. Review status: reviewed by expert panel (3 of 4 stars). 4 submissions from 4 submitters: Likely benign (1). 3 of the submissions do not count toward it. Last evaluated 2022-05-18.

Conditions:
DICER1-related tumor predisposition. Also called: DICER1-related pleuropulmonary blastoma cancer predisposition syndrome; DICER1 syndrome. Identifiers: Orphanet 284343, MedGen C3839822, MONDO:0100216.
Hereditary cancer-predisposing syndrome. Also called: Neoplastic Syndromes, Hereditary; Hereditary neoplastic syndrome; Tumor predisposition; Hereditary Cancer Syndrome. Identifiers: Orphanet 140162, MedGen C0027672, MeSH D009386, MONDO:0015356.

Allele frequency attached by ClinVar (database versions not stated): gnomAD exomes below 0.00001.
gnomAD v4.1: 8 of 1,614,072 alleles (0.0005%); highest among the groups gnomAD compares: Non-Finnish European, 0.00059%; no homozygotes.

Submissions (4):

ClinGen DICER1 and miRNA-Processing Gene Variant Curation Expert Panel, ClinGen
Classification: Likely benign for DICER1-related tumor predisposition. Last evaluated: 2022-05-18. Review status: reviewed by expert panel. Criteria: ClinGen DICER1 ACMG Specifications DICER1 v1. Collection method: curation. Allele origin: germline. Inheritance: Autosomal dominant inheritance.
Comment: The NM_177438.2:c.5521C>T (p.Leu1841=) variant is a synonymous (silent) variant that is not predicted by MaxEntScan or SpliceAI to impact splicing (BP4, BP7). This variant is absent from gnomAD v2.1.1 and v.3.1.1 (PM2_Supporting). In summary, this variant meets the criteria to be classified as likely benign for DICER1 syndrome. Although there are both pathogenic and benign types of evidence for this variant, the pathogenic evidence is not considered inconsistent with the final classification. ACMG/AMP criteria applied, as specified by the ClinGen DICER1 VCEP: BP4, BP7, PM2_Supporting. (Bayesian Points: -1; VCEP specifications version 1; 02/11/22)

Myriad Genetics, Inc.
Classification: Benign for DICER1-related tumor predisposition. Last evaluated: 2026-08-17. Review status: criteria provided, single submitter. Criteria: Myriad Autosomal Dominant, Autosomal Recessive and X-Linked Classification Criteria (2023). Collection method: clinical testing. Allele origin: unknown. Not counted in ClinVar's aggregate classification.
Comment: This variant is considered benign. This variant is a silent/synonymous amino acid change and it is not expected to impact splicing.

Labcorp Genetics (formerly Invitae), Labcorp
Classification: Likely benign for DICER1-related tumor predisposition. Last evaluated: 2025-08-11. Review status: criteria provided, single submitter. Criteria: Invitae Variant Classification Sherloc (09022015). Collection method: clinical testing. Allele origin: germline. Not counted in ClinVar's aggregate classification.

Ambry Genetics
Classification: Likely benign for Hereditary cancer-predisposing syndrome. Last evaluated: 2017-12-22. Review status: criteria provided, single submitter. Criteria: Ambry Variant Classification Scheme 2023. Collection method: clinical testing. Allele origin: germline. Not counted in ClinVar's aggregate classification.

NM_177438.3(DICER1):c.5521C>T (p.Leu1841=)

Gene: DICER1 (dicer 1, ribonuclease III; minus strand). Cytogenetic location: 14q32.13.
Variant type: single nucleotide variant.
Coding change: c.5521C>T on transcript NM_177438.3 (MANE Select); coding-DNA position 5521, C replaced by T.
Protein change: p.Leu1841=; no amino-acid change (leucine 1841 retained).
Molecular consequence: synonymous variant. On other transcripts: intron variant (1).
Genome position (GRCh38, 1-based): chr14:95,091,209, G>A on the plus strand (C>T on the coding strand, the complement: DICER1 is on the minus strand). VCF-style: chr14-95091209-G-A. GRCh37 (hg19) VCF-style: chr14-95557546-G-A.
Other names: NM_177438.2(DICER1):c.5521C>T; p.Leu1841=; c.5365-100C>T (NM_001195573.1); c.5521C>T, p.Leu1841= (NM_001271282.3, NM_001291628.2, NM_030621.4).
Identifiers: ClinVar variation 477262 (VCV000477262.20), dbSNP rs1555366154, ClinGen allele CA487843671.
Genomic context (GRCh38, chr14:95,091,209, plus strand): 5'-GAAGTTGTTTTTAATTTTGTGGGTTTTTTTCTTTCTAAAGGGAGCCAACAATACCTATTA[G>A]TGGCCGCATCATGGGATAGTACACCTGCCAGACTGTCTCCAGTGACATCCCACTATCCAT-3'
Protein context (NP_803187.1, residues 1831-1851): WQVYYPMMRP[Leu1841=]IEKFSANVPR